The following is an entry in ClinVar:

ClinVar aggregate classification (germline): Pathogenic (1 of 4 stars; one submission).

Conditions:
Primary ciliary dyskinesia. Also called: Ciliary dyskinesia. Identifiers: Orphanet 244, MedGen C0008780, MONDO:0016575, HP:0012265.

Submission:

Labcorp Genetics (formerly Invitae), Labcorp
Classification: Pathogenic for Primary ciliary dyskinesia. Last evaluated: 2019-04-13. Review status: criteria provided, single submitter. Criteria: Invitae Variant Classification Sherloc (09022015). Collection method: clinical testing. Allele origin: germline.
Comment: This sequence change creates a premature translational stop signal (p.Glu2089*) in the DNAH11 gene. It is expected to result in an absent or disrupted protein product. This variant is not present in population databases (ExAC no frequency). This variant has not been reported in the literature in individuals with DNAH11-related conditions. ClinVar contains an entry for this variant (Variation ID: 454695). Loss-of-function variants in DNAH11 are known to be pathogenic (PMID: 18022865, 20513915, 22184204). For these reasons, this variant has been classified as Pathogenic.

NM_001277115.2(DNAH11):c.6265G>T (p.Glu2089Ter)

Gene: DNAH11 (dynein axonemal heavy chain 11; plus strand). Cytogenetic location: 7p15.3.
Variant type: single nucleotide variant.
Coding change: c.6265G>T on transcript NM_001277115.2 (MANE Select); coding-DNA position 6265, G replaced by T.
Protein change: p.Glu2089Ter; replaces glutamic acid 2089 with a stop codon.
Molecular consequence: nonsense.
Genome position (GRCh38, 1-based): chr7:21,702,794, G>T. VCF-style: chr7-21702794-G-T. GRCh37 (hg19) VCF-style: chr7-21742412-G-T.
Other names: short protein forms E2089*.
Identifiers: ClinVar variation 454695 (VCV000454695.2), dbSNP rs1275718084, ClinGen allele CA366936297.